The following is an entry in ClinVar:

ClinVar aggregate classification (germline): Conflicting classifications of pathogenicity. Review status: criteria provided, conflicting classifications (1 of 4 stars). 7 submissions from 7 submitters: Uncertain significance (2); Benign (1); Likely benign (4). Last evaluated 2026-01-02.

Conditions:
Fanconi anemia complementation group J. Also called: BRIP1-Related Fanconi Anemia. Identifiers: Orphanet 84, MedGen C1836860, MONDO:0012187, OMIM 609054.
Familial cancer of breast. Also called: Hereditary breast cancer; BREAST CANCER, FAMILIAL; hereditary breast carcinoma. Identifiers: Orphanet 227535, MedGen C0346153, MONDO:0016419, OMIM 114480. Disease mechanism: loss of function.
Hereditary cancer-predisposing syndrome. Also called: Tumor predisposition; Neoplastic Syndromes, Hereditary; Hereditary Cancer Syndrome; Hereditary neoplastic syndrome. Identifiers: Orphanet 140162, MedGen C0027672, MeSH D009386, MONDO:0015356.

Allele frequency attached by ClinVar (database versions not stated): gnomAD exomes below 0.00001; ExAC 0.00002; gnomAD 0.00002; TOPMed 0.00003; ESP Exome Variant Server 0.00015.
gnomAD v4.1: 3 of 1,613,836 alleles (0.00019%); highest among the groups gnomAD compares: African/African-American, 0.004%; no homozygotes.

Submissions (7):

Labcorp Genetics (formerly Invitae), Labcorp
Classification: Likely benign for Familial cancer of breast; Fanconi anemia complementation group J. Last evaluated: 2026-01-02. Review status: criteria provided, single submitter. Criteria: Invitae Variant Classification Sherloc (09022015). Collection method: clinical testing. Allele origin: germline.

Myriad Genetics, Inc.
Classification: Benign for Familial cancer of breast. Last evaluated: 2024-08-28. Review status: criteria provided, single submitter. Criteria: Myriad Autosomal Dominant, Autosomal Recessive and X-Linked Classification Criteria (2023). Collection method: clinical testing. Allele origin: unknown.
Comment: This variant is considered benign. This variant is a silent/synonymous amino acid change and it is not expected to impact splicing.

Quest Diagnostics Nichols Institute San Juan Capistrano
Classification: Uncertain significance. Last evaluated: 2023-01-12. Review status: criteria provided, single submitter. Criteria: Quest Diagnostics criteria. Collection method: clinical testing. Allele origin: unknown.
Comment: To the best of our knowledge, the variant has not been reported in the published literature. The frequency of this variant in the general population, 0.000004 (1/251208 chromosomes), is uninformative in assessment of its pathogenicity. Analysis of this variant using software algorithms for the prediction of the effect of nucleotide changes on splicing yielded predictions that this variant does not affect BRIP1 mRNA splicing . Based on the available information, we are unable to determine the clinical significance of this variant.

Sema4
Classification: Uncertain significance for Hereditary cancer-predisposing syndrome. Last evaluated: 2022-02-15. Review status: criteria provided, single submitter. Criteria: Sema4 Curation Guidelines. Collection method: curation. Allele origin: germline.
Comment: The BRIP1 c.1644T>C (p.Y548=) variant has not been reported in the literature to our knowledge. It was observed in 1/16240 chromosomes of the African/African American subpopulation in the large and broad cohorts of the Genome Aggregation Database (PMID: 32461654). This variant has been reported in ClinVar (Variation ID 414680). The nucleotide is moderately conserved and in silico tools that predict the effect of sequence changes on splicing suggest that this variant may not impact splicing, though these predictions have not been confirmed by functional studies. The evidence is insufficient to meet ACMG/AMP criteria for classifying the variant as benign or pathogenic. Thus, the clinical significance of this variant is currently uncertain.

GeneDx
Classification: Likely benign. Last evaluated: 2019-12-16. Review status: criteria provided, single submitter. Criteria: GeneDx Variant Classification Process June 2021. Collection method: clinical testing. Allele origin: germline. Affected: yes.

Ambry Genetics
Classification: Likely benign for Hereditary cancer-predisposing syndrome. Last evaluated: 2019-08-28. Review status: criteria provided, single submitter. Criteria: Ambry Variant Classification Scheme 2023. Collection method: clinical testing. Allele origin: germline.

Color Diagnostics, LLC DBA Color Health
Classification: Likely benign for Hereditary cancer-predisposing syndrome. Last evaluated: 2018-11-26. Review status: criteria provided, single submitter. Criteria: ACMG Guidelines, 2015. Collection method: clinical testing. Allele origin: germline.

NM_032043.3(BRIP1):c.1644T>C (p.Tyr548=)

Gene: BRIP1 (BRCA1 interacting DNA helicase 1; minus strand). Cytogenetic location: 17q23.2.
Variant type: single nucleotide variant.
Coding change: c.1644T>C on transcript NM_032043.3 (MANE Select); coding-DNA position 1644, T replaced by C.
Protein change: p.Tyr548=; no amino-acid change (tyrosine 548 retained).
Molecular consequence: synonymous variant.
Genome position (GRCh38, 1-based): chr17:61,780,990, A>G on the plus strand (T>C on the coding strand, the complement: BRIP1 is on the minus strand). VCF-style: chr17-61780990-A-G. GRCh37 (hg19) VCF-style: chr17-59858351-A-G.
Identifiers: ClinVar variation 414680 (VCV000414680.21), dbSNP rs372760869, ClinGen allele CA8690693.